The following is an entry in ClinVar:

ClinVar aggregate classification (germline): Uncertain significance (1 of 4 stars; one submission).

Allele frequency attached by ClinVar (database versions not stated): ExAC 0.00002; gnomAD 0.00003; TOPMed 0.00003; ESP Exome Variant Server 0.00008; gnomAD exomes 0.00010.
gnomAD v4.1: 155 of 1,613,942 alleles (0.0096%); highest among the groups gnomAD compares: Non-Finnish European, 0.013%; no homozygotes.

Submission:

Labcorp Genetics (formerly Invitae), Labcorp
Classification: Uncertain significance. Last evaluated: 2023-04-05. Review status: criteria provided, single submitter. Criteria: Invitae Variant Classification Sherloc (09022015). Collection method: clinical testing. Allele origin: germline.
Comment: In summary, the available evidence is currently insufficient to determine the role of this variant in disease. Therefore, it has been classified as a Variant of Uncertain Significance. This sequence change replaces glutamic acid, which is acidic and polar, with glutamine, which is neutral and polar, at codon 729 of the WNK4 protein (p.Glu729Gln). This variant is present in population databases (rs370712588, gnomAD 0.002%). This variant has not been reported in the literature in individuals affected with WNK4-related conditions. Advanced modeling of protein sequence and biophysical properties (such as structural, functional, and spatial information, amino acid conservation, physicochemical variation, residue mobility, and thermodynamic stability) performed at Invitae indicates that this missense variant is not expected to disrupt WNK4 protein function. Algorithms developed to predict the effect of sequence changes on RNA splicing suggest that this variant may disrupt the consensus splice site.

NM_032387.5(WNK4):c.2185G>C (p.Glu729Gln)

Gene: WNK4 (WNK lysine deficient protein kinase 4; plus strand). Cytogenetic location: 17q21.2.
Variant type: single nucleotide variant.
Coding change: c.2185G>C on transcript NM_032387.5 (MANE Select); coding-DNA position 2185, G replaced by C.
Protein change: p.Glu729Gln; replaces glutamic acid 729 with glutamine.
Molecular consequence: missense variant.
Genome position (GRCh38, 1-based): chr17:42,793,619, G>C. VCF-style: chr17-42793619-G-C. GRCh37 (hg19) VCF-style: chr17-40945637-G-C.
Other names: c.1177G>C, p.Glu393Gln (NM_001321299.2); short protein forms E393Q, E729Q.
Identifiers: ClinVar variation 2713521 (VCV002713521.3), dbSNP rs370712588, ClinGen allele CA8584254.